The following is an entry in ClinVar:

ClinVar aggregate classification (germline): Uncertain significance (1 of 4 stars; one submission).

Conditions:
Dilated cardiomyopathy 1D. Identifiers: Orphanet 154, Orphanet 54260, MedGen C1832243, MONDO:0011095, OMIM 601494.
Cardiomyopathy, familial restrictive, 3. Identifiers: Orphanet 75249, MedGen C2676271, MONDO:0012900, OMIM 612422.
Hypertrophic cardiomyopathy 2. Also called: TNNT2-Related Familial Hypertrophic Cardiomyopathy. Identifiers: MedGen C1861864, MONDO:0007266, OMIM 115195.

Submission:

Labcorp Genetics (formerly Invitae), Labcorp
Classification: Uncertain significance for Cardiomyopathy, familial restrictive, 3; Hypertrophic cardiomyopathy 2; Dilated cardiomyopathy 1D. Last evaluated: 2024-07-19. Review status: criteria provided, single submitter. Criteria: Invitae Variant Classification Sherloc (09022015). Collection method: clinical testing. Allele origin: germline.
Comment: This sequence change replaces histidine, which is basic and polar, with arginine, which is basic and polar, at codon 183 of the TNNT2 protein (p.His183Arg). This variant is not present in population databases (gnomAD no frequency). This variant has not been reported in the literature in individuals affected with TNNT2-related conditions. ClinVar contains an entry for this variant (Variation ID: 1399967). Advanced modeling of protein sequence and biophysical properties (such as structural, functional, and spatial information, amino acid conservation, physicochemical variation, residue mobility, and thermodynamic stability) performed at Invitae indicates that this missense variant is expected to disrupt TNNT2 protein function with a positive predictive value of 95%. In summary, the available evidence is currently insufficient to determine the role of this variant in disease. Therefore, it has been classified as a Variant of Uncertain Significance.

NM_001276345.2(TNNT2):c.578A>G (p.His193Arg)

Gene: TNNT2 (troponin T2, cardiac type; minus strand). Cytogenetic location: 1q32.1.
Variant type: single nucleotide variant.
Coding change: c.578A>G on transcript NM_001276345.2 (MANE Select); coding-DNA position 578, A replaced by G.
Protein change: p.His193Arg; replaces histidine 193 with arginine.
Molecular consequence: missense variant.
Genome position (GRCh38, 1-based): chr1:201,363,318, T>C on the plus strand (A>G on the coding strand, the complement: TNNT2 is on the minus strand). VCF-style: chr1-201363318-T-C. GRCh37 (hg19) VCF-style: chr1-201332446-T-C.
Other names: c.578A>G, p.His193Arg (NM_000364.4); c.548A>G, p.His183Arg (NM_001001430.3, NM_001001431.3, NM_001276347.2); c.533A>G, p.His178Arg (NM_001001432.3); c.458A>G, p.His153Arg (NM_001276346.2); short protein forms H193R, H153R, H183R, H178R.
Identifiers: ClinVar variation 1399967 (VCV001399967.8), dbSNP rs2102244668, ClinGen allele CA344204314.
Genomic context (GRCh38, chr1:201,363,318, plus strand): 5'-CTAGGATCTCCTGGCAACCCCTGCTGCTCCCTACCTACCTTCTGGATGTAACCCCCAAAA[T>C]GCATCATGTTGGACAAAGCCTTCTTCTTCCGGGCCTCATCCTCAGCCTTCCTCCTGTTCT-3'
Protein context (NP_001263274.1, residues 183-203): RKKKALSNMM[His193Arg]FGGYIQKQAQ